The following is an entry in ClinVar:

NM_000111.3(SLC26A3):c.357C>T (p.Phe119=)

Gene: SLC26A3 (solute carrier family 26 member 3; minus strand). Cytogenetic location: 7q22.3.
Variant type: single nucleotide variant.
Coding change: c.357C>T on transcript NM_000111.3 (MANE Select); coding-DNA position 357, C replaced by T.
Protein change: p.Phe119=; no amino-acid change (phenylalanine 119 retained).
Molecular consequence: synonymous variant.
Genome position (GRCh38, 1-based): chr7:107,791,855, G>A on the plus strand (C>T on the coding strand, the complement: SLC26A3 is on the minus strand). VCF-style: chr7-107791855-G-A. GRCh37 (hg19) VCF-style: chr7-107432300-G-A.
Identifiers: ClinVar variation 776252 (VCV000776252.39), dbSNP rs73419912, ClinGen allele CA4434160.

ClinVar aggregate classification (germline): Benign/Likely benign. Review status: criteria provided, multiple submitters, no conflicts (2 of 4 stars). 5 submissions from 5 submitters: Benign (4); Likely benign (1). Last evaluated 2026-02-01.

Conditions:
Congenital secretory diarrhea, chloride type (DIAR1). Also called: CHLORIDE DIARRHEA, CONGENITAL, FINNISH TYPE; CHLORIDORRHEA, CONGENITAL; DIARRHEA 1, SECRETORY CHLORIDE, CONGENITAL. Identifiers: Orphanet 53689, MedGen C0267662, MONDO:0008964, OMIM 214700.

Allele frequency attached by ClinVar (database versions not stated): TOPMed 0.00473; 1000 Genomes Project 0.00539; 1000 Genomes Project 30x 0.00656.
gnomAD v4.1: 2,822 of 1,612,592 alleles (0.17%); highest among the groups gnomAD compares: African/African-American, 1.4%; 9 homozygotes.

Submissions (5):

Labcorp Genetics (formerly Invitae), Labcorp
Classification: Benign. Last evaluated: 2026-02-01. Review status: criteria provided, single submitter. Criteria: Invitae Variant Classification Sherloc (09022015). Collection method: clinical testing. Allele origin: germline.

Blueprint Genetics
Classification: Likely benign. Last evaluated: 2024-11-26. Review status: criteria provided, single submitter. Criteria: ACMG Guidelines, 2015. Collection method: clinical testing. Allele origin: germline.

CeGaT Center for Human Genetics Tuebingen
Classification: Benign. Last evaluated: 2023-01-01. Review status: criteria provided, single submitter. Criteria: CeGaT Center For Human Genetics Tuebingen Variant Classification Criteria Version 2. Collection method: clinical testing. Allele origin: germline. Affected: yes. Observed: 1 variant allele.
Comment: SLC26A3: BS1, BS2

Illumina Laboratory Services, Illumina
Classification: Benign for Congenital secretory diarrhea, chloride type. Last evaluated: 2017-04-27. Review status: criteria provided, single submitter. Criteria: ICSL Variant Classification Criteria 13 December 2019. Collection method: clinical testing. Allele origin: germline.
Comment: This variant was observed as part of a predisposition screen in an ostensibly healthy population. A literature search was performed for the gene, cDNA change, and amino acid change (where applicable). Publications were found based on this search. The evidence from the literature, in combination with allele frequency data from public databases where available, was sufficient to rule this variant out of causing disease. Therefore, this variant is classified as benign.

Breakthrough Genomics
Classification: Benign. Review status: criteria provided, single submitter. Criteria: ACMG Guidelines, 2015. Collection method: not provided. Allele origin: germline. Inheritance: Autosomal recessive inheritance. Affected: yes.

Literature cited by the submitters: PubMed 21394828 (cited by Illumina Laboratory Services, Illumina).